The following is an entry in ClinVar:

NM_001129820.2(SLFN14):c.1348A>G (p.Lys450Glu)

Genes: SLFN14 (schlafen family member 14; minus strand), LOC107985033 (uncharacterized LOC107985033; plus strand). Cytogenetic location: 17q12.
Variant type: single nucleotide variant.
Coding change: c.1348A>G on transcript NM_001129820.2 (MANE Select); coding-DNA position 1348, A replaced by G.
Protein change: p.Lys450Glu; replaces lysine 450 with glutamic acid.
Molecular consequence: missense variant. On other transcripts: non-coding transcript variant (2).
Genome position (GRCh38, 1-based): chr17:35,553,286, T>C on the plus strand (A>G on the coding strand, the complement: SLFN14 is on the minus strand). VCF-style: chr17-35553286-T-C. GRCh37 (hg19) VCF-style: chr17-33880305-T-C.
Other names: p.Lys450Glu; c.1348A>G (NM_001129820.1); short protein forms K450E.
Identifiers: ClinVar variation 1333128 (VCV001333128.6), dbSNP rs79007502, ClinGen allele CA8504630.

ClinVar aggregate classification (germline): Benign/Likely benign. Review status: criteria provided, multiple submitters, no conflicts (2 of 4 stars). 5 submissions from 5 submitters: Benign (4); Likely benign (1). Last evaluated 2026-09-18.

Conditions:
SLFN14-related disorder. Also called: SLFN14-related condition.
Platelet-type bleeding disorder 20 (BDPLT20). Identifiers: Orphanet 466806, MedGen C4310797, MONDO:0014830, OMIM 616913.

Allele frequency attached by ClinVar (database versions not stated): gnomAD 0.02530 and 0.02724; ESP Exome Variant Server 0.02672; TOPMed 0.02725; 1000 Genomes Project 30x 0.02826; 1000 Genomes Project 0.02895; gnomAD exomes 0.03452 and 0.03692; ExAC 0.04477.

Submissions (5):

PreventionGenetics, part of Exact Sciences
Classification: Benign for SLFN14-related condition. Last evaluated: 2026-09-18. Review status: criteria provided, single submitter. Criteria: ACMG Guidelines, 2015. Collection method: clinical testing. Allele origin: germline.
Comment: This variant is classified as benign based on ACMG/AMP sequence variant interpretation guidelines (Richards et al. 2015 PMID: 25741868, with internal and published modifications).

Blueprint Genetics
Classification: Likely benign. Last evaluated: 2024-11-27. Review status: criteria provided, single submitter. Criteria: ACMG Guidelines, 2015. Collection method: clinical testing. Allele origin: germline.

Mayo Clinic Laboratories, Mayo Clinic
Classification: Benign. Last evaluated: 2022-09-29. Review status: criteria provided, single submitter. Criteria: ACMG Guidelines, 2015. Collection method: clinical testing. Allele origin: germline. Observed: 40 variant alleles.

Genome-Nilou Lab
Classification: Benign for Platelet-type bleeding disorder 20. Last evaluated: 2021-07-15. Review status: criteria provided, single submitter. Criteria: ACMG Guidelines, 2015. Collection method: clinical testing. Allele origin: germline. Affected: no.

Breakthrough Genomics
Classification: Benign. Review status: criteria provided, single submitter. Criteria: ACMG Guidelines, 2015. Collection method: not provided. Allele origin: germline. Inheritance: Autosomal dominant inheritance. Affected: yes.